The following is an entry in ClinVar:

NM_000441.2(SLC26A4):c.296C>T (p.Thr99Met)

Gene: SLC26A4 (solute carrier family 26 member 4; plus strand). Cytogenetic location: 7q22.3.
Variant type: single nucleotide variant.
Coding change: c.296C>T on transcript NM_000441.2 (MANE Select); coding-DNA position 296, C replaced by T.
Protein change: p.Thr99Met; replaces threonine 99 with methionine.
Molecular consequence: missense variant.
Genome position (GRCh38, 1-based): chr7:107,663,427, C>T. VCF-style: chr7-107663427-C-T. GRCh37 (hg19) VCF-style: chr7-107303872-C-T.
Other names: c.296C>T (NM_000441.1); short protein forms T99M.
Identifiers: ClinVar variation 3895989 (VCV003895989.3).
Genomic context (GRCh38, chr7:107,663,427, plus strand): 5'-GAGTCAAGGAATGGCTGCTTAGTGACGTCATTTCGGGAGTTAGTACTGGGCTAGTGGCCA[C>T]GCTGCAAGGTAAGATGTTGGCAGATTGAGAGTTCTGGTCTCCAGCAGGAGTTTAACACTT-3'
Protein context (NP_000432.1, residues 89-109): ISGVSTGLVA[Thr99Met]LQGMAYALLA

ClinVar aggregate classification (germline): Uncertain significance. Review status: criteria provided, multiple submitters, no conflicts (2 of 4 stars). 3 submissions from 3 submitters: Uncertain significance (3). Last evaluated 2026-06-29.

Conditions:
SLC26A4-related disorder. Also called: SLC26A4-related condition; SLC26A4-related disorders.

gnomAD v4.1: 26 of 1,613,976 alleles (0.0016%); highest among the groups gnomAD compares: Middle Eastern, 0.017%; no homozygotes.

Submissions (3):

PreventionGenetics, part of Exact Sciences
Classification: Uncertain significance for SLC26A4-related condition. Last evaluated: 2026-06-29. Review status: criteria provided, single submitter. Criteria: ACMG Guidelines, 2015. Collection method: clinical testing. Allele origin: germline.
Comment: The SLC26A4 c.296C>T variant is predicted to result in the amino acid substitution p.Thr99Met. This variant was reported in the heterozygous state in absence of 2nd variant in an individual with congenital hearing loss (Table 5, Pourová et al. 2010. PubMed ID: 20597900) and it was also observed in heterozygous state in an individual with hearing loss who was positive in bi-allelic GJB2 variants (Propst et al. 2006. PubMed ID: 17146393). This variant is reported in 0.012% of alleles in individuals of African descent in gnomAD. At this time, the clinical significance of this variant is uncertain due to the absence of conclusive functional and genetic evidence.

Women's Health and Genetics/Laboratory Corporation of America, LabCorp
Classification: Uncertain significance. Last evaluated: 2025-03-24. Review status: criteria provided, single submitter. Criteria: LabCorp Variant Classification Summary - May 2015. Collection method: clinical testing. Allele origin: germline.
Comment: Variant summary: SLC26A4 c.296C>T (p.Thr99Met) results in a non-conservative amino acid change in the encoded protein sequence. Four of five in-silico tools predict a damaging effect of the variant on protein function. The variant allele was found at a frequency of 2e-05 in 251392 control chromosomes. The available data on variant occurrences in the general population are insufficient to allow any conclusion about variant significance. c.296C>T has been reported in the simple heterozygous state in the literature in at least 1 individual affected with nonsyndromic deafness, without strong evidence for causality (example, Pourov_2010, Propst_2006). These report(s) do not provide unequivocal conclusions about association of the variant with Pendred Syndrome. To our knowledge, no experimental evidence demonstrating an impact on protein function has been reported. The following publications have been ascertained in the context of this evaluation (PMID: 20597900, 17146393). No submitters have cited clinical-significance assessments for this variant to ClinVar. Based on the evidence outlined above, the variant was classified as uncertain significance.

Blueprint Genetics
Classification: Uncertain significance. Last evaluated: 2023-12-29. Review status: criteria provided, single submitter. Criteria: ACMG Guidelines, 2015. Collection method: clinical testing. Allele origin: germline.

Literature cited by the submitters: PubMed 20597900 (cited by Women's Health and Genetics/Laboratory Corporation of America, LabCorp); PubMed 17146393 (cited by Women's Health and Genetics/Laboratory Corporation of America, LabCorp).